The following is an entry in ClinVar:

NM_024079.5(ALG8):c.1298_1334dup (p.Leu445_Lys446insHisValThrIleHisHisIleTer)

Gene: ALG8 (ALG8 alpha-1,3-glucosyltransferase; minus strand). Cytogenetic location: 11q14.1.
Variant type: Duplication.
Coding change: c.1298_1334dup on transcript NM_024079.5 (MANE Select); coding-DNA positions 1298 to 1334, 37 bases duplicated.
Protein change: p.Leu445_Lys446insHisValThrIleHisHisIleTer.
Molecular consequence: nonsense, inframe insertion. On other transcripts: frameshift variant (22).
Genome position (GRCh38, 1-based): chr11:78,103,995-78,104,031, 37 bases duplicated. GRCh37 (hg19): chr11:77,815,041-77,815,077.
Other names: c.1298_1334dup, p.Leu445_Lys446insHisValThrIleHisHisIleTer (NM_001007027.3); c.1301_1337dup, p.Lys447Hisfs (NM_001425219.1); c.1283_1319dup, p.Lys441Hisfs (NM_001425220.1); c.1223_1259dup, p.Lys421Hisfs (NM_001425221.1); c.1298_1334dup, p.Lys446Hisfs (NM_001425222.1, NM_001425230.1, NM_001425232.1); c.1292_1328dup, p.Lys444Hisfs (NM_001425223.1); c.1391_1427dup, p.Lys477Hisfs (NM_001425224.1); c.1346_1382dup, p.Lys462Hisfs (NM_001425225.1); and 10 more.
Identifiers: ClinVar variation 2977570 (VCV002977570.1), dbSNP rs760991067, ClinGen allele CA6203151.

ClinVar aggregate classification (germline): Uncertain significance (1 of 4 stars; one submission).

Conditions:
ALG8 congenital disorder of glycosylation. Also called: CONGENITAL DISORDER OF GLYCOSYLATION, TYPE Ih; ALG8-CDG; CDG Ih. Identifiers: Orphanet 79325, MedGen C2931002, MONDO:0011969, OMIM 608104.

Allele frequency attached by ClinVar (database versions not stated): gnomAD exomes below 0.00001; ExAC 0.00001.

Submission:

Labcorp Genetics (formerly Invitae), Labcorp
Classification: Uncertain significance for ALG8 congenital disorder of glycosylation. Last evaluated: 2023-07-06. Review status: criteria provided, single submitter. Criteria: Invitae Variant Classification Sherloc (09022015). Collection method: clinical testing. Allele origin: germline.
Comment: This sequence change creates a premature translational stop signal (p.Lys446Hisfs*8) in the ALG8 gene. While this is not anticipated to result in nonsense mediated decay, it is expected to disrupt the last 81 amino acid(s) of the ALG8 protein. This variant is present in population databases (rs760991067, gnomAD 0.003%). This variant has not been reported in the literature in individuals affected with ALG8-related conditions. Experimental studies and prediction algorithms are not available or were not evaluated, and the functional significance of this variant is currently unknown. In summary, the available evidence is currently insufficient to determine the role of this variant in disease. Therefore, it has been classified as a Variant of Uncertain Significance.